The following is an entry in ClinVar:

NM_006767.4(LZTR1):c.1416G>A (p.Arg472=)

Gene: LZTR1 (leucine zipper like post translational regulator 1; plus strand). Cytogenetic location: 22q11.21.
Variant type: single nucleotide variant.
Coding change: c.1416G>A on transcript NM_006767.4 (MANE Select); coding-DNA position 1416, G replaced by A.
Protein change: p.Arg472=; no amino-acid change (arginine 472 retained).
Molecular consequence: synonymous variant.
Genome position (GRCh38, 1-based): chr22:20,993,986, G>A. VCF-style: chr22-20993986-G-A. GRCh37 (hg19) VCF-style: chr22-21348275-G-A.
Other names: p.Arg472=.
Identifiers: ClinVar variation 997938 (VCV000997938.39), dbSNP rs367740343, ClinGen allele CA10118878.
Genomic context (GRCh38, chr22:20,993,986, plus strand): 5'-GGAGGAGTGCGTGCAGGGCCACGTAGCCATTGTCACAGCGCGGAGCCGCTGGCTTCGCAG[G>A]AAGATCACGCAGGCGCGGGAGAGGCTGGCCCAGGTGAGGTGCCTAACCGCCCTGCCCTGA-3'
Protein context (NP_006758.2, residues 462-482): IVTARSRWLR[Arg472=]KITQARERLA

ClinVar aggregate classification (germline): Benign/Likely benign. Review status: criteria provided, multiple submitters, no conflicts (2 of 4 stars). 8 submissions from 8 submitters: Benign (5); Likely benign (2). 1 of the submissions does not count toward it. Last evaluated 2026-01-28.

Conditions:
LZTR1-related disorder. Also called: LZTR1-related disorders; LZTR1-related condition.
Cardiovascular phenotype. Identifiers: MedGen CN230736.
Hereditary cancer-predisposing syndrome. Also called: Hereditary Cancer Syndrome; Hereditary neoplastic syndrome; Neoplastic Syndromes, Hereditary; Tumor predisposition. Identifiers: Orphanet 140162, MedGen C0027672, MeSH D009386, MONDO:0015356.

Allele frequency attached by ClinVar (database versions not stated): gnomAD 0.00005 and 0.00016; TOPMed 0.00006; ESP Exome Variant Server 0.00008; gnomAD exomes 0.00029 and 0.00058; 1000 Genomes Project 30x 0.00062; ExAC 0.00075; 1000 Genomes Project 0.00080.
gnomAD v4.1: 456 of 1,612,108 alleles (0.028%); highest among the groups gnomAD compares: South Asian, 0.41%; 4 homozygotes.

Submissions (8):

Labcorp Genetics (formerly Invitae), Labcorp
Classification: Benign. Last evaluated: 2026-01-28. Review status: criteria provided, single submitter. Criteria: Invitae Variant Classification Sherloc (09022015). Collection method: clinical testing. Allele origin: germline.

Mayo Clinic Laboratories, Mayo Clinic
Classification: Benign. Last evaluated: 2025-04-07. Review status: criteria provided, single submitter. Criteria: ACMG Guidelines, 2015. Collection method: clinical testing. Allele origin: germline. Observed: 1 variant allele.
Comment: BA1, BP4, BP7

Blueprint Genetics
Classification: Likely benign. Last evaluated: 2024-11-11. Review status: criteria provided, single submitter. Criteria: ACMG Guidelines, 2015. Collection method: clinical testing. Allele origin: germline.

CeGaT Center for Human Genetics Tuebingen
Classification: Likely benign. Last evaluated: 2024-05-01. Review status: criteria provided, single submitter. Criteria: CeGaT Center For Human Genetics Tuebingen Variant Classification Criteria Version 2. Collection method: clinical testing. Allele origin: germline. Affected: yes. Observed: 2 variant alleles.
Comment: LZTR1: BP4, BP7

Women's Health and Genetics/Laboratory Corporation of America, LabCorp
Classification: Benign. Last evaluated: 2021-02-08. Review status: criteria provided, single submitter. Criteria: LabCorp Variant Classification Summary - May 2015. Collection method: clinical testing. Allele origin: germline.

Ambry Genetics
Classification: Benign for Cardiovascular phenotype; Hereditary cancer-predisposing syndrome. Last evaluated: 2020-09-02. Review status: criteria provided, single submitter. Criteria: Ambry Variant Classification Scheme 2023. Collection method: clinical testing. Allele origin: germline.

Breakthrough Genomics
Classification: Benign. Review status: criteria provided, single submitter. Criteria: ACMG Guidelines, 2015. Collection method: not provided. Allele origin: germline. Inheritance: Autosomal recessive inheritance. Affected: yes.

PreventionGenetics, part of Exact Sciences
Classification: Benign for LZTR1-related condition. Last evaluated: 2019-05-30. Review status: no assertion criteria provided. Collection method: clinical testing. Allele origin: germline. Not counted in ClinVar's aggregate classification.
Comment: This variant is classified as benign based on ACMG/AMP sequence variant interpretation guidelines (Richards et al. 2015 PMID: 25741868, with internal and published modifications).